The following is an entry in ClinVar:

NM_004168.4(SDHA):c.1367C>T (p.Ser456Leu)

Gene: SDHA (succinate dehydrogenase complex flavoprotein subunit A; plus strand). Cytogenetic location: 5p15.33.
Variant type: single nucleotide variant.
Coding change: c.1367C>T on transcript NM_004168.4 (MANE Select); coding-DNA position 1367, C replaced by T.
Protein change: p.Ser456Leu; replaces serine 456 with leucine.
Molecular consequence: missense variant.
Genome position (GRCh38, 1-based): chr5:236,534, C>T. VCF-style: chr5-236534-C-T. GRCh37 (hg19) VCF-style: chr5-236649-C-T.
Other names: c.1223C>T, p.Ser408Leu (NM_001294332.2); c.1367C>T, p.Ser456Leu (NM_001330758.2); short protein forms S456L, S408L.
Identifiers: ClinVar variation 539695 (VCV000539695.20), dbSNP rs76896145, ClinGen allele CA3173208.

ClinVar aggregate classification (germline): Conflicting classifications of pathogenicity. Review status: criteria provided, conflicting classifications (1 of 4 stars). 6 submissions from 6 submitters: Pathogenic (1); Uncertain significance (1); Benign (2); Likely benign (1). 1 of the submissions does not count toward it. Last evaluated 2026-02-02.

Conditions:
Mitochondrial complex II deficiency, nuclear type 1. Also called: SUCCINATE CoQ REDUCTASE DEFICIENCY. Identifiers: Orphanet 3208, MedGen C5700310, MONDO:0100294, OMIM 252011.
Pheochromocytoma/paraganglioma syndrome 5. Also called: Paragangliomas 5; SDHA-Related Hereditary Paraganglioma-Pheochromocytoma Syndrome. Identifiers: Orphanet 29072, MedGen C3279992, MONDO:0013602, OMIM 614165.
Hereditary cancer-predisposing syndrome. Also called: Neoplastic Syndromes, Hereditary; Tumor predisposition; Hereditary Cancer Syndrome; Hereditary neoplastic syndrome. Identifiers: Orphanet 140162, MedGen C0027672, MeSH D009386, MONDO:0015356.

Allele frequency attached by ClinVar (database versions not stated): gnomAD 0.00001; ExAC 0.02070.

Submissions (6):

Labcorp Genetics (formerly Invitae), Labcorp
Classification: Benign for Pheochromocytoma/paraganglioma syndrome 5; Mitochondrial complex II deficiency, nuclear type 1. Last evaluated: 2026-02-02. Review status: criteria provided, single submitter. Criteria: Invitae Variant Classification Sherloc (09022015). Collection method: clinical testing. Allele origin: germline.

MOLECULAR BIOLOGY AND HUMAN GENETICS DIVISION, THE UNIVERSITY OF BURDWAN
Classification: Pathogenic for Mitochondrial complex II deficiency, nuclear type 1. Last evaluated: 2025-11-28. Review status: criteria provided, single submitter. Criteria: ACMG Guidelines, 2015. Collection method: research. Allele origin: germline. Affected: yes. Observed: 1 variant allele.
Comment: By In Silico analysis, such as SIFT, PolyPhen, Mutation Taster, CADD phred score, Amino acid conservation study, protein stability, and protein modelling, all show the loss of function effect, thus this variant can be classified as Pathogenic.

Blueprint Genetics
Classification: Likely benign. Last evaluated: 2024-11-26. Review status: criteria provided, single submitter. Criteria: ACMG Guidelines, 2015. Collection method: clinical testing. Allele origin: germline.

Institute for Clinical Genetics, University Hospital TU Dresden, University Hospital TU Dresden
Classification: Uncertain significance. Last evaluated: 2021-11-03. Review status: criteria provided, single submitter. Criteria: ACMG Guidelines, 2015. Collection method: clinical testing. Allele origin: germline.

Ambry Genetics
Classification: Benign for Hereditary cancer-predisposing syndrome. Last evaluated: 2015-04-27. Review status: criteria provided, single submitter. Criteria: Ambry Variant Classification Scheme 2023. Collection method: clinical testing. Allele origin: germline.

Department of Pathology and Laboratory Medicine, Sinai Health System
Classification: Uncertain significance. Review status: no assertion criteria provided. Collection method: clinical testing. Allele origin: unknown. Affected: yes. Study: The Canadian Open Genetics Repository (COGR). Not counted in ClinVar's aggregate classification.
Comment: The SDHA p.Ser408Leu variant was not identified in the literature or in the Cosmic database but was identified in dbSNP (ID: rs76896145), ClinVar (reported as benign by Invitae for mitochondrial complex II deficiency and paragangliomas 5) and LOVD 3.0. The variant was identified in control databases in 21 of 273542 chromosomes at a frequency of 0.000077 (Genome Aggregation Database Feb 27, 2017). The variant was observed in the following populations: African in 4 of 24354 chromosomes (freq: 0.000164), European (non-Finnish) in 16 of 123988 chromosomes (freq: 0.000129) and South Asian in 1 of 28962 chromosomes (freq: 0.000035); it was not observed in the Latino, Ashkenazi Jewish, East Asian, European (Finnish), and Other populations. The p.Ser408 residue is conserved in mammals but not in more distantly related organisms, and four out of five computational analyses (PolyPhen-2, SIFT, BLOSUM, and MutationTaster) suggest that the variant may impact the protein; however, this information is not predictive enough to assume pathogenicity. In summary, based on the above information the clinical significance of this variant cannot be determined with certainty at this time. This variant is classified as a variant of uncertain significance.

Literature cited by the submitters: PubMed 35014173 (cited by MOLECULAR BIOLOGY AND HUMAN GENETICS DIVISION, THE UNIVERSITY OF BURDWAN).